The following is an entry in ClinVar:

ClinVar aggregate classification (germline): Pathogenic. Review status: criteria provided, multiple submitters, no conflicts (2 of 4 stars). 2 submissions from 2 submitters: Pathogenic (2). Last evaluated 2026-06-18.

Conditions:
Inborn genetic diseases. Identifiers: MedGen C0950123, MeSH D030342.

Submissions (2):

Ambry Genetics
Classification: Pathogenic for Inborn genetic diseases. Last evaluated: 2026-06-18. Review status: criteria provided, single submitter. Criteria: Ambry Variant Classification Scheme 2023. Collection method: clinical testing. Allele origin: germline.
Comment: The c.300delG pathogenic mutation, located in coding exon 2 of the MBD4 gene, results from a deletion of one nucleotide at nucleotide position 300, causing a translational frameshift with a predicted alternate stop codon (p.K101Rfs*16). This variant is considered to be rare based on population cohorts in the Genome Aggregation Database (gnomAD). This alteration is expected to result in loss of function by premature protein truncation or nonsense-mediated mRNA decay. As such, this alteration is interpreted as a disease-causing mutation.

Labcorp Genetics (formerly Invitae), Labcorp
Classification: Pathogenic. Last evaluated: 2023-12-12. Review status: criteria provided, single submitter. Criteria: Invitae Variant Classification Sherloc (09022015). Collection method: clinical testing. Allele origin: germline.
Comment: This sequence change creates a premature translational stop signal (p.Lys101Argfs*16) in the MBD4 gene. It is expected to result in an absent or disrupted protein product. Loss-of-function variants in MBD4 are known to be pathogenic (PMID: 30049810, 35460607). This variant is not present in population databases (gnomAD no frequency). This variant has not been reported in the literature in individuals affected with MBD4-related conditions. For these reasons, this variant has been classified as Pathogenic.

Literature cited by the submitters: PubMed 30049810 (cited by Labcorp Genetics (formerly Invitae), Labcorp); PubMed 35460607 (cited by Labcorp Genetics (formerly Invitae), Labcorp).

NM_001276270.2(MBD4):c.300del (p.Lys101fs)

Gene: MBD4 (methyl-CpG binding domain 4, DNA glycosylase; minus strand). Cytogenetic location: 3q21.3.
Variant type: Deletion.
Coding change: c.300del on transcript NM_001276270.2 (MANE Select); coding-DNA position 300, one base deleted (G; older notation c.300delG).
Protein change: p.Lys101fs; shifts the reading frame from lysine 101.
Molecular consequence: frameshift variant. On other transcripts: intron variant (1).
Genome position (GRCh38, 1-based): chr3:129,437,755, C deleted on the plus strand (G on the coding strand, the reverse complement: MBD4 is on the minus strand); the first of 3 consecutive C bases (chr3:129,437,755-129,437,757); deleting any one gives the same sequence. VCF-style (leftmost placement, unchanged base first): chr3-129437754-TC-T. GRCh37 (hg19) VCF-style: chr3-129156597-TC-T.
Other names: c.300delG (NM_001276270.2); c.300del, p.Lys101fs (NM_001276271.2, NM_001276272.2, NM_003925.3); c.247+53del (NM_001276273.2); short protein forms K101fs.
Identifiers: ClinVar variation 2702357 (VCV002702357.4), dbSNP rs2530727286, ClinGen allele CA2697556819.